The following is an entry in ClinVar:

ClinVar aggregate classification (germline): Uncertain significance (1 of 4 stars; one submission).

Conditions:
Congenital contractural arachnodactyly (CCA). Also called: Beals-Hecht syndrome; BEALS SYNDROME; Arthrogryposis, distal, type 9. Identifiers: Orphanet 115, MedGen C0220668, MONDO:0007363, OMIM 121050.

Submission:

Labcorp Genetics (formerly Invitae), Labcorp
Classification: Uncertain significance for Congenital contractural arachnodactyly. Last evaluated: 2025-05-23. Review status: criteria provided, single submitter. Criteria: Invitae Variant Classification Sherloc (09022015). Collection method: clinical testing. Allele origin: germline.
Comment: This sequence change replaces asparagine, which is neutral and polar, with lysine, which is basic and polar, at codon 901 of the FBN2 protein (p.Asn901Lys). This variant is not present in population databases (gnomAD no frequency). This variant has not been reported in the literature in individuals affected with FBN2-related conditions. Invitae Evidence Modeling of protein sequence and biophysical properties (such as structural, functional, and spatial information, amino acid conservation, physicochemical variation, residue mobility, and thermodynamic stability) indicates that this missense variant is not expected to disrupt FBN2 protein function with a negative predictive value of 80%. In summary, the available evidence is currently insufficient to determine the role of this variant in disease. Therefore, it has been classified as a Variant of Uncertain Significance.

NM_001999.4(FBN2):c.2703C>G (p.Asn901Lys)

Gene: FBN2 (fibrillin 2; minus strand). Cytogenetic location: 5q23.3.
Variant type: single nucleotide variant.
Coding change: c.2703C>G on transcript NM_001999.4 (MANE Select); coding-DNA position 2703, C replaced by G.
Protein change: p.Asn901Lys; replaces asparagine 901 with lysine.
Molecular consequence: missense variant.
Genome position (GRCh38, 1-based): chr5:128,350,977, G>C on the plus strand (C>G on the coding strand, the complement: FBN2 is on the minus strand). VCF-style: chr5-128350977-G-C. GRCh37 (hg19) VCF-style: chr5-127686669-G-C.
Other names: short protein forms N901K.
Identifiers: ClinVar variation 4764612 (VCV004764612.1).